The following is an entry in ClinVar:

ClinVar aggregate classification (germline): Likely benign. Review status: criteria provided, multiple submitters, no conflicts (2 of 4 stars). 3 submissions from 3 submitters: Likely benign (3). Last evaluated 2026-01-28.

Conditions:
Developmental and epileptic encephalopathy, 42 (DEE42A). Also called: DEVELOPMENTAL AND EPILEPTIC ENCEPHALOPATHY 42A; EPILEPTIC ENCEPHALOPATHY, EARLY INFANTILE, 42A; Epileptic encephalopathy, early infantile, 42. Identifiers: MedGen C4310716, MONDO:0014917, OMIM 617106.
Episodic ataxia type 2 (EA2). Also called: ATAXIA, EPISODIC, WITH NYSTAGMUS; ATAXIA, FAMILIAL PAROXYSMAL; CEREBELLAR ATAXIA, PAROXYSMAL, ACETAZOLAMIDE-RESPONSIVE; CEREBELLOPATHY, HEREDITARY PAROXYSMAL; ACETAZOLAMIDE-RESPONSIVE HEREDITARY PAROXYSMAL CEREBELLAR ATAXIA; EPISODIC ATAXIA, NYSTAGMUS-ASSOCIATED. Identifiers: Orphanet 97, MedGen C1720416, MONDO:0007163, OMIM 108500.

Allele frequency attached by ClinVar (database versions not stated): gnomAD exomes 0.00005 and 0.00010; gnomAD 0.00006; TOPMed 0.00006; ExAC 0.00007.
gnomAD v4.1: 137 of 1,532,684 alleles (0.0089%); highest among the groups gnomAD compares: Non-Finnish European, 0.012%; no homozygotes.

Submissions (3):

Labcorp Genetics (formerly Invitae), Labcorp
Classification: Likely benign for Developmental and epileptic encephalopathy, 42; Episodic ataxia type 2. Last evaluated: 2026-01-28. Review status: criteria provided, single submitter. Criteria: Invitae Variant Classification Sherloc (09022015). Collection method: clinical testing. Allele origin: germline.

CeGaT Center for Human Genetics Tuebingen
Classification: Likely benign. Last evaluated: 2022-09-01. Review status: criteria provided, single submitter. Criteria: CeGaT Center For Human Genetics Tuebingen Variant Classification Criteria Version 2. Collection method: clinical testing. Allele origin: germline. Affected: yes. Observed: 1 variant allele.
Comment: CACNA1A: BP4, BP7

GeneDx
Classification: Likely benign. Last evaluated: 2016-02-10. Review status: criteria provided, single submitter. Criteria: GeneDx Variant Classification (06012015). Collection method: clinical testing. Allele origin: germline. Affected: yes.
Comment: This variant is considered likely benign or benign based on one or more of the following criteria: it is a conservative change, it occurs at a poorly conserved position in the protein, it is predicted to be benign by multiple in silico algorithms, and/or has population frequency not consistent with disease.

NM_001127222.2(CACNA1A):c.2853G>A (p.Ala951=)

Gene: CACNA1A (calcium voltage-gated channel subunit alpha1 A; minus strand). Cytogenetic location: 19p13.13.
Variant type: single nucleotide variant.
Coding change: c.2853G>A on transcript NM_001127222.2 (MANE Select); coding-DNA position 2853, G replaced by A.
Protein change: p.Ala951=; no amino-acid change (alanine 951 retained).
Molecular consequence: synonymous variant.
Genome position (GRCh38, 1-based): chr19:13,298,780, C>T on the plus strand (G>A on the coding strand, the complement: CACNA1A is on the minus strand). VCF-style: chr19-13298780-C-T. GRCh37 (hg19) VCF-style: chr19-13409594-C-T.
Other names: c.2865G>A, p.Ala955= (NM_000068.4, NM_023035.3); c.2856G>A, p.Ala952= (NM_001127221.2, NM_001174080.2).
Identifiers: ClinVar variation 383435 (VCV000383435.39), dbSNP rs761522418, ClinGen allele CA9240458.